The following is an entry in ClinVar:

ClinVar aggregate classification (germline): Pathogenic/Likely pathogenic. Review status: criteria provided, multiple submitters, no conflicts (2 of 4 stars). 2 submissions from 2 submitters: Pathogenic (1); Likely pathogenic (1). Last evaluated 2024-11-12.

Conditions:
Cardiovascular phenotype. Identifiers: MedGen CN230736.

Submissions (2):

Labcorp Genetics (formerly Invitae), Labcorp
Classification: Pathogenic. Last evaluated: 2024-11-12. Review status: criteria provided, single submitter. Criteria: Invitae Variant Classification Sherloc (09022015). Collection method: clinical testing. Allele origin: germline.
Comment: This sequence change creates a premature translational stop signal (p.Glu47*) in the TBX20 gene. It is expected to result in an absent or disrupted protein product. Loss-of-function variants in TBX20 are known to be pathogenic (PMID: 15901664, 25625280, 26118961, 27510170). This variant is not present in population databases (gnomAD no frequency). This variant has not been reported in the literature in individuals affected with TBX20-related conditions. ClinVar contains an entry for this variant (Variation ID: 2450713). Algorithms developed to predict the effect of sequence changes on RNA splicing suggest that this variant may disrupt the consensus splice site. For these reasons, this variant has been classified as Pathogenic.

Ambry Genetics
Classification: Likely pathogenic for Cardiovascular phenotype. Last evaluated: 2022-12-08. Review status: criteria provided, single submitter. Criteria: Ambry Variant Classification Scheme 2023. Collection method: clinical testing. Allele origin: germline.
Comment: The p.E47* variant (also known as c.139G>T), located in coding exon 2 of the TBX20 gene, results from a G to T substitution at nucleotide position 139. This changes the amino acid from a glutamic acid to a stop codon within coding exon 2. The predicted stop codon occurs in the 5&rsquo; end of theTBX20 gene. Premature termination codons in the 5&rsquo; end of a gene have been reported to escape nonsense-mediated mRNAdecay and/or lead to re-initiation (Rivas et al. Science. 2015 May 8;348(6235):666-9; Lindeboom et al. Nat Genet. 2016 Oct;48(10):1112-8; Rhee et al. Sci Rep. 2017 May 10;7(1):1653). Direct evidence for this alteration is unavailable, however premature termination codons are typically deleterious in nature. This variant is considered to be rare based on population cohorts in the Genome Aggregation Database (gnomAD). Based on the majority of available evidence to date, this variant is likely to be pathogenic.

Literature cited by the submitters: PubMed 15901664 (cited by Labcorp Genetics (formerly Invitae), Labcorp); PubMed 25625280 (cited by Labcorp Genetics (formerly Invitae), Labcorp); PubMed 26118961 (cited by Labcorp Genetics (formerly Invitae), Labcorp); PubMed 27510170 (cited by Labcorp Genetics (formerly Invitae), Labcorp).

NM_001077653.2(TBX20):c.139G>T (p.Glu47Ter)

Gene: TBX20 (T-box transcription factor 20; minus strand). Cytogenetic location: 7p14.2.
Variant type: single nucleotide variant.
Coding change: c.139G>T on transcript NM_001077653.2 (MANE Select); coding-DNA position 139, G replaced by T.
Protein change: p.Glu47Ter; replaces glutamic acid 47 with a stop codon.
Molecular consequence: nonsense.
Genome position (GRCh38, 1-based): chr7:35,250,192, C>A on the plus strand (G>T on the coding strand, the complement: TBX20 is on the minus strand). VCF-style: chr7-35250192-C-A. GRCh37 (hg19) VCF-style: chr7-35289804-C-A.
Other names: c.139G>T, p.Glu47Ter (NM_001166220.1); short protein forms E47*.
Identifiers: ClinVar variation 2450713 (VCV002450713.4), dbSNP rs2546997545, ClinGen allele CA367265406.